The following is an entry in ClinVar:

ClinVar aggregate classification (germline): Uncertain significance (1 of 4 stars; one submission).

Submission:

Labcorp Genetics (formerly Invitae), Labcorp
Classification: Uncertain significance. Last evaluated: 2026-01-25. Review status: criteria provided, single submitter. Criteria: Invitae Variant Classification Sherloc (09022015). Collection method: clinical testing. Allele origin: germline.
Comment: This sequence change replaces glutamine, which is neutral and polar, with glutamic acid, which is acidic and polar, at codon 361 of the TCF3 protein (p.Gln361Glu). This variant is not present in population databases (gnomAD no frequency). This variant has not been reported in the literature in individuals affected with TCF3-related conditions. Invitae Evidence Modeling of protein sequence and biophysical properties (such as structural, functional, and spatial information, amino acid conservation, physicochemical variation, residue mobility, and thermodynamic stability) indicates that this missense variant is not expected to disrupt TCF3 protein function with a negative predictive value of 80%. In summary, the available evidence is currently insufficient to determine the role of this variant in disease. Therefore, it has been classified as a Variant of Uncertain Significance.

NM_003200.5(TCF3):c.1081C>G (p.Gln361Glu)

Gene: TCF3 (transcription factor 3; minus strand). Cytogenetic location: 19p13.3.
Variant type: single nucleotide variant.
Coding change: c.1081C>G on transcript NM_003200.5 (MANE Select); coding-DNA position 1081, C replaced by G.
Protein change: p.Gln361Glu; replaces glutamine 361 with glutamic acid.
Molecular consequence: missense variant.
Genome position (GRCh38, 1-based): chr19:1,620,980, G>C on the plus strand (C>G on the coding strand, the complement: TCF3 is on the minus strand). VCF-style: chr19-1620980-G-C. GRCh37 (hg19) VCF-style: chr19-1620979-G-C.
Other names: c.1081C>G, p.Gln361Glu (NM_001136139.4, NM_001351778.2, NM_001351779.2); short protein forms Q361E.
Identifiers: ClinVar variation 4692410 (VCV004692410.1).